The following is an entry in ClinVar:

NM_000426.4(LAMA2):c.839A>G (p.Asp280Gly)

Gene: LAMA2 (laminin subunit alpha 2; plus strand). Cytogenetic location: 6q22.33.
Variant type: single nucleotide variant.
Coding change: c.839A>G on transcript NM_000426.4 (MANE Select); coding-DNA position 839, A replaced by G.
Protein change: p.Asp280Gly; replaces aspartic acid 280 with glycine.
Molecular consequence: missense variant.
Genome position (GRCh38, 1-based): chr6:129,146,978, A>G. VCF-style: chr6-129146978-A-G. GRCh37 (hg19) VCF-style: chr6-129468123-A-G.
Other names: c.839A>G, p.Asp280Gly (NM_001079823.2); short protein forms D280G.
Identifiers: ClinVar variation 2147058 (VCV002147058.2), dbSNP rs773934052, ClinGen allele CA146884984.

ClinVar aggregate classification (germline): Uncertain significance. Review status: criteria provided, multiple submitters, no conflicts (2 of 4 stars). 2 submissions from 2 submitters: Uncertain significance (2). Last evaluated 2024-09-05.

Conditions:
LAMA2-related muscular dystrophy (LAMA2-RD). Also called: Laminin alpha 2-related dystrophy. Identifiers: MedGen C5679788, MONDO:0100228.

Allele frequency attached by ClinVar (database versions not stated): gnomAD 0.00001; TOPMed 0.00001; gnomAD exomes 0.00003.
gnomAD v4.1: 38 of 1,610,782 alleles (0.0024%); highest among the groups gnomAD compares: Non-Finnish European, 0.0032%; no homozygotes.

Submissions (2):

Blueprint Genetics
Classification: Uncertain significance. Last evaluated: 2024-09-05. Review status: criteria provided, single submitter. Criteria: ACMG Guidelines, 2015. Collection method: clinical testing. Allele origin: germline.

Labcorp Genetics (formerly Invitae), Labcorp
Classification: Uncertain significance for LAMA2-related muscular dystrophy. Last evaluated: 2022-07-29. Review status: criteria provided, single submitter. Criteria: Invitae Variant Classification Sherloc (09022015). Collection method: clinical testing. Allele origin: germline.
Comment: This sequence change replaces aspartic acid, which is acidic and polar, with glycine, which is neutral and non-polar, at codon 280 of the LAMA2 protein (p.Asp280Gly). This variant is present in population databases (rs773934052, gnomAD 0.0009%). This variant has not been reported in the literature in individuals affected with LAMA2-related conditions. Algorithms developed to predict the effect of missense changes on protein structure and function are either unavailable or do not agree on the potential impact of this missense change (SIFT: "Tolerated"; PolyPhen-2: "Probably Damaging"; Align-GVGD: "Class C0"). Algorithms developed to predict the effect of sequence changes on RNA splicing suggest that this variant may disrupt the consensus splice site. In summary, the available evidence is currently insufficient to determine the role of this variant in disease. Therefore, it has been classified as a Variant of Uncertain Significance.